The following is an entry in ClinVar:

ClinVar aggregate classification (germline): Uncertain significance (1 of 4 stars; one submission).

Conditions:
Arrhythmogenic right ventricular dysplasia 9 (ARVD9). Also called: ARRHYTHMOGENIC RIGHT VENTRICULAR DYSPLASIA, FAMILIAL, 9; Arrhythmogenic Right Ventricular Dysplasia/Cardiomyopathy 9. Identifiers: MedGen C1836906, MONDO:0012180, OMIM 609040.

Submission:

Labcorp Genetics (formerly Invitae), Labcorp
Classification: Uncertain significance for Arrhythmogenic right ventricular dysplasia 9. Last evaluated: 2022-09-20. Review status: criteria provided, single submitter. Criteria: Invitae Variant Classification Sherloc (09022015). Collection method: clinical testing. Allele origin: germline.
Comment: In summary, the available evidence is currently insufficient to determine the role of this variant in disease. Therefore, it has been classified as a Variant of Uncertain Significance. This variant has not been reported in the literature in individuals affected with PKP2-related conditions. This variant is not present in population databases (gnomAD no frequency). This variant, c.1126_1131dup, results in the insertion of 2 amino acid(s) of the PKP2 protein (p.Phe376_Ile377dup), but otherwise preserves the integrity of the reading frame.

NM_001005242.3(PKP2):c.1126_1131dup (p.Ile377_Gln378insPheIle)

Gene: PKP2 (plakophilin 2; minus strand). Cytogenetic location: 12p11.21.
Variant type: Duplication.
Coding change: c.1126_1131dup on transcript NM_001005242.3 (MANE Select); coding-DNA positions 1126 to 1131, 6 bases duplicated (TTCATA; older notation c.1126_1131dupTTCATA).
Protein change: p.Ile377_Gln378insPheIle.
Molecular consequence: inframe insertion. On other transcripts: inframe indel (8).
Genome position (GRCh38, 1-based): chr12:32,868,966-32,868,971, TATGAA duplicated on the plus strand (TTCATA on the coding strand, the reverse complement: PKP2 is on the minus strand). VCF-style (leftmost placement, unchanged base first): chr12-32868965-G-GTATGAA. GRCh37 (hg19) VCF-style: chr12-33021899-G-GTATGAA.
Other names: c.1126_1131dup, p.Ile377_Gln378insPheIle (NM_001407155.1, NM_001407156.1, NM_001407157.1 and 2 more transcripts); c.799_804dup, p.Ile268_Gln269insPheIle (NM_001407158.1, NM_001407159.1, NM_001407160.1 and 1 more transcripts).
Identifiers: ClinVar variation 2031448 (VCV002031448.4), dbSNP rs2541322187, ClinGen allele CA2580085395.